The following is an entry in ClinVar:

ClinVar aggregate classification (germline): Uncertain significance (1 of 4 stars; one submission).

Conditions:
Glycogen storage disease IV, classic hepatic. Also called: GSD IV, CLASSIC HEPATIC. Identifiers: MedGen C1856301.
Glycogen storage disease, type IV (GSD4). Also called: BRANCHER DEFICIENCY; AMYLOPECTINOSIS; ANDERSEN DISEASE; CIRRHOSIS, FAMILIAL, WITH DEPOSITION OF ABNORMAL GLYCOGEN; GBE1 DEFICIENCY; GLYCOGEN BRANCHING ENZYME DEFICIENCY. Identifiers: Orphanet 367, MedGen C0017923, MONDO:0009292, OMIM 232500.

Allele frequency attached by ClinVar (database versions not stated): gnomAD exomes 0.00001; ExAC 0.00002; gnomAD 0.00003; TOPMed 0.00004.
gnomAD v4.1: 13 of 1,606,800 alleles (0.00081%); highest among the groups gnomAD compares: Middle Eastern, 0.017%; no homozygotes.

Submission:

Labcorp Genetics (formerly Invitae), Labcorp
Classification: Uncertain significance for Glycogen storage disease, type IV; Glycogen storage disease IV, classic hepatic. Last evaluated: 2022-08-23. Review status: criteria provided, single submitter. Criteria: Invitae Variant Classification Sherloc (09022015). Collection method: clinical testing. Allele origin: germline.
Comment: This sequence change replaces proline, which is neutral and non-polar, with leucine, which is neutral and non-polar, at codon 7 of the GBE1 protein (p.Pro7Leu). This variant is present in population databases (rs765422566, gnomAD 0.006%). This variant has not been reported in the literature in individuals affected with GBE1-related conditions. ClinVar contains an entry for this variant (Variation ID: 1396108). Advanced modeling of protein sequence and biophysical properties (such as structural, functional, and spatial information, amino acid conservation, physicochemical variation, residue mobility, and thermodynamic stability) performed at Invitae indicates that this missense variant is not expected to disrupt GBE1 protein function. In summary, the available evidence is currently insufficient to determine the role of this variant in disease. Therefore, it has been classified as a Variant of Uncertain Significance.

NM_000158.4(GBE1):c.20C>T (p.Pro7Leu)

Gene: GBE1 (1,4-alpha-glucan branching enzyme 1; minus strand). Cytogenetic location: 3p12.2.
Variant type: single nucleotide variant.
Coding change: c.20C>T on transcript NM_000158.4 (MANE Select); coding-DNA position 20, C replaced by T.
Protein change: p.Pro7Leu; replaces proline 7 with leucine.
Molecular consequence: missense variant.
Genome position (GRCh38, 1-based): chr3:81,761,498, G>A on the plus strand (C>T on the coding strand, the complement: GBE1 is on the minus strand). VCF-style: chr3-81761498-G-A. GRCh37 (hg19) VCF-style: chr3-81810649-G-A.
Other names: short protein forms P7L.
Identifiers: ClinVar variation 1396108 (VCV001396108.3), dbSNP rs765422566, ClinGen allele CA2500117.